The following is an entry in ClinVar:

NM_006885.4(ZFHX3):c.5155A>T (p.Ile1719Phe)

Genes: ZFHX3 (zinc finger homeobox 3; minus strand), ZFHX3-AS1 (ZFHX3 antisense RNA 1; plus strand). Cytogenetic location: 16q22.2.
Variant type: single nucleotide variant.
Coding change: c.5155A>T on transcript NM_006885.4 (MANE Select); coding-DNA position 5155, A replaced by T.
Protein change: p.Ile1719Phe; replaces isoleucine 1719 with phenylalanine.
Molecular consequence: missense variant.
Genome position (GRCh38, 1-based): chr16:72,797,527, T>A on the plus strand (A>T on the coding strand, the complement: ZFHX3 is on the minus strand). VCF-style: chr16-72797527-T-A. GRCh37 (hg19) VCF-style: chr16-72831426-T-A.
Other names: c.2413A>T, p.Ile805Phe (NM_001164766.2); c.5155A>T, p.Ile1719Phe (NM_001386735.1); short protein forms I1719F, I805F.
Identifiers: ClinVar variation 5017742 (VCV005017742.1).

ClinVar aggregate classification (germline): Uncertain significance (1 of 4 stars; one submission).

Submission:

GeneDx
Classification: Uncertain significance. Last evaluated: 2026-03-27. Review status: criteria provided, single submitter. Criteria: GeneDx Variant Classification Process June 2021. Collection method: clinical testing. Allele origin: germline.
Comment: Not observed at significant frequency in large population cohorts (gnomAD); In silico analysis supports that this missense variant has a deleterious effect on protein structure/function; Has not been previously published as pathogenic or benign to our knowledge